The following is an entry in ClinVar:

NM_001040142.2(SCN2A):c.813G>C (p.Met271Ile)

Gene: SCN2A (sodium voltage-gated channel alpha subunit 2; plus strand). Cytogenetic location: 2q24.3.
Variant type: single nucleotide variant.
Coding change: c.813G>C on transcript NM_001040142.2 (MANE Select); coding-DNA position 813, G replaced by C.
Protein change: p.Met271Ile; replaces methionine 271 with isoleucine.
Molecular consequence: missense variant.
Genome position (GRCh38, 1-based): chr2:165,310,438, G>C. VCF-style: chr2-165310438-G-C. GRCh37 (hg19) VCF-style: chr2-166166948-G-C.
Other names: c.813G>C, p.Met271Ile (NM_001040143.2, NM_001371246.1, NM_001371247.1 and 1 more transcripts); short protein forms M271I.
Identifiers: ClinVar variation 533494 (VCV000533494.9), dbSNP rs1553567950, ClinGen allele CA349018207.

ClinVar aggregate classification (germline): Uncertain significance (1 of 4 stars; one submission).

Conditions:
Developmental and epileptic encephalopathy, 11 (DEE11). Also called: Early infantile epileptic encephalopathy 11. Identifiers: Orphanet 1934, MedGen C3150987, MONDO:0013388, OMIM 613721.
Seizures, benign familial infantile, 3 (BFIS3). Also called: CONVULSIONS, BENIGN FAMILIAL INFANTILE, 3; Familial neonatal seizures. Identifiers: Orphanet 140927, Orphanet 306, MedGen C1843140, MONDO:0011904, OMIM 607745.

Submission:

Labcorp Genetics (formerly Invitae), Labcorp
Classification: Uncertain significance for Seizures, benign familial infantile, 3; Developmental and epileptic encephalopathy, 11. Last evaluated: 2017-12-27. Review status: criteria provided, single submitter. Criteria: Invitae Variant Classification Sherloc (09022015). Collection method: clinical testing. Allele origin: germline.
Comment: In summary, the available evidence is currently insufficient to determine the role of this variant in disease. Therefore, it has been classified as a Variant of Uncertain Significance. Algorithms developed to predict the effect of missense changes on protein structure and function do not agree on the potential impact of this missense change (SIFT: "Deleterious"; PolyPhen-2: "Benign"; Align-GVGD: "Class C0"). This variant has not been reported in the literature in individuals with SCN2A-related disease. This variant is not present in population databases (ExAC no frequency). This sequence change replaces methionine with isoleucine at codon 271 of the SCN2A protein (p.Met271Ile). The methionine residue is highly conserved and there is a small physicochemical difference between methionine and isoleucine.